The following is an entry in ClinVar:

NM_005228.5(EGFR):c.1553C>T (p.Pro518Leu)

Gene: EGFR (epidermal growth factor receptor; plus strand). Cytogenetic location: 7p11.2.
Variant type: single nucleotide variant.
Coding change: c.1553C>T on transcript NM_005228.5 (MANE Select); coding-DNA position 1553, C replaced by T.
Protein change: p.Pro518Leu; replaces proline 518 with leucine.
Molecular consequence: missense variant.
Genome position (GRCh38, 1-based): chr7:55,161,553, C>T. VCF-style: chr7-55161553-C-T. GRCh37 (hg19) VCF-style: chr7-55229246-C-T.
Other names: c.1418C>T, p.Pro473Leu (NM_001346897.2, NM_001346899.2); c.1553C>T, p.Pro518Leu (NM_001346898.2, NM_201282.2, NM_201284.2); c.1394C>T, p.Pro465Leu (NM_001346900.2); c.752C>T, p.Pro251Leu (NM_001346941.2); short protein forms P251L, P465L, P473L, P518L.
Identifiers: ClinVar variation 935117 (VCV000935117.12), dbSNP rs564398642, ClinGen allele CA4265613.

ClinVar aggregate classification (germline): Conflicting classifications of pathogenicity. Review status: criteria provided, conflicting classifications (1 of 4 stars). 3 submissions from 3 submitters: Uncertain significance (2); Likely benign (1). Last evaluated 2025-12-15.

Conditions:
Hereditary cancer-predisposing syndrome. Also called: Tumor predisposition; Hereditary neoplastic syndrome; Hereditary Cancer Syndrome; Neoplastic Syndromes, Hereditary. Identifiers: Orphanet 140162, MedGen C0027672, MeSH D009386, MONDO:0015356.
EGFR-related lung cancer (EGFR). Identifiers: MedGen CN130014.

Allele frequency attached by ClinVar (database versions not stated): gnomAD below 0.00001 and 0.00001; TOPMed 0.00001; gnomAD exomes 0.00005; ExAC 0.00008; 1000 Genomes Project 30x 0.00016; 1000 Genomes Project 0.00020.
gnomAD v4.1: 56 of 1,614,256 alleles (0.0035%); highest among the groups gnomAD compares: South Asian, 0.055%; 1 homozygote.

Submissions (3):

Labcorp Genetics (formerly Invitae), Labcorp
Classification: Uncertain significance for EGFR-related lung cancer. Last evaluated: 2025-12-15. Review status: criteria provided, single submitter. Criteria: Invitae Variant Classification Sherloc (09022015). Collection method: clinical testing. Allele origin: germline.
Comment: This sequence change replaces proline, which is neutral and non-polar, with leucine, which is neutral and non-polar, at codon 518 of the EGFR protein (p.Pro518Leu). This variant is present in population databases (rs564398642, gnomAD 0.05%). This variant has not been reported in the literature in individuals affected with EGFR-related conditions. ClinVar contains an entry for this variant (Variation ID: 935117). Invitae Evidence Modeling of protein sequence and biophysical properties (such as structural, functional, and spatial information, amino acid conservation, physicochemical variation, residue mobility, and thermodynamic stability) indicates that this missense variant is not expected to disrupt EGFR protein function with a negative predictive value of 80%. In summary, the available evidence is currently insufficient to determine the role of this variant in disease. Therefore, it has been classified as a Variant of Uncertain Significance.

Ambry Genetics
Classification: Likely benign for Hereditary cancer-predisposing syndrome. Last evaluated: 2024-10-28. Review status: criteria provided, single submitter. Criteria: Ambry Variant Classification Scheme 2023. Collection method: clinical testing. Allele origin: germline.

Sema4
Classification: Uncertain significance for Hereditary cancer-predisposing syndrome. Last evaluated: 2021-12-18. Review status: criteria provided, single submitter. Criteria: Sema4 Curation Guidelines. Collection method: curation. Allele origin: germline.
Comment: The EGFR c.1553C>T (p.P518L) variant has been reported in two individuals wih lung cancer (PMID:28835699, 30325992). It was observed in 12/30616 chromosomes of the South Asian subpopulation, with no homozygotes, in the large and broad cohorts of the Genome Aggregation Database (PMID: 32461654). The variant has been reported in ClinVar (Variation ID 935117). Functional studies have not been performed, and in silico predictions of the variant's effect on protein function are inconclusive. The evidence is insufficient to meet ACMG/AMP criteria for classifying the variant as benign or pathogenic. Thus, the clinical significance of this variant is currently uncertain.

Literature cited by the submitters: PubMed 28835699 (cited by Sema4); PubMed 30325992 (cited by Sema4).